The following is an entry in ClinVar:

NM_001270974.2(HYDIN):c.11332C>A (p.Pro3778Thr)

Gene: HYDIN (HYDIN axonemal central pair apparatus protein; minus strand). Cytogenetic location: 16q22.2.
Variant type: single nucleotide variant.
Coding change: c.11332C>A on transcript NM_001270974.2 (MANE Select); coding-DNA position 11332, C replaced by A.
Protein change: p.Pro3778Thr; replaces proline 3778 with threonine.
Molecular consequence: missense variant.
Genome position (GRCh38, 1-based): chr16:70,866,308, G>T on the plus strand (C>A on the coding strand, the complement: HYDIN is on the minus strand). VCF-style: chr16-70866308-G-T. GRCh37 (hg19) VCF-style: chr16-70900211-G-T.
Other names: short protein forms P3778T.
Identifiers: ClinVar variation 3361290 (VCV003361290.1).
Genomic context (GRCh38, chr16:70,866,308, plus strand): 5'-CATTGGCACTGATTTGAAGCTGCAGTTCTTGGTAGTTTTCTTCTAGTACTGAGTGAGCAG[G>T]TTCCGGATCCGTCTCTATCACCTGTAACAAAGGCAGCTGTGTCCTCAGAGATGCAGAGCA-3'
Protein context (NP_001257903.1, residues 3768-3788): KRKVIETDPE[Pro3778Thr]AHSVLEENYQ

ClinVar aggregate classification (germline): Uncertain significance (1 of 4 stars; one submission).

Submission:

GeneDx
Classification: Uncertain significance. Last evaluated: 2023-07-21. Review status: criteria provided, single submitter. Criteria: GeneDx Variant Classification Process June 2021. Collection method: clinical testing. Allele origin: germline. Affected: yes.
Comment: In silico analysis supports that this missense variant has a deleterious effect on protein structure/function; Has not been previously published as pathogenic or benign to our knowledge